The following is an entry in ClinVar:

ClinVar aggregate classification (germline): Likely benign (1 of 4 stars; one submission).

gnomAD v4.1: 1 of 152,140 alleles (0.00066%); highest among the groups gnomAD compares: Admixed American, 0.0065%; no homozygotes.

Submission:

CeGaT Center for Human Genetics Tuebingen
Classification: Likely benign. Last evaluated: 2025-05-01. Review status: criteria provided, single submitter. Criteria: CeGaT Center For Human Genetics Tuebingen Variant Classification Criteria Version 2. Collection method: clinical testing. Allele origin: germline. Affected: yes. Observed: 1 variant allele.
Comment: BLM: BP4, BP7

NM_000057.4(BLM):c.4076+320C>T

Gene: BLM (BLM RecQ like helicase; plus strand). Cytogenetic location: 15q26.1.
Variant type: single nucleotide variant.
Coding change: c.4076+320C>T on transcript NM_000057.4 (MANE Select); 320 bases into the intron after coding-DNA position 4076, C replaced by T.
Molecular consequence: intron variant.
Genome position (GRCh38, 1-based): chr15:90,811,726, C>T. VCF-style: chr15-90811726-C-T. GRCh37 (hg19) VCF-style: chr15-91354956-C-T.
Other names: c.4076+320C>T (NM_001287246.2); c.2951+320C>T (NM_001287248.2); c.3683+320C>T (NM_001287247.2).
Identifiers: ClinVar variation 3905649 (VCV003905649.10).